The following is an entry in ClinVar:

NM_182760.4(SUMF1):c.1116T>C (p.Thr372=)

Gene: SUMF1 (sulfatase modifying factor 1; minus strand). Cytogenetic location: 3p26.1.
Variant type: single nucleotide variant.
Coding change: c.1116T>C on transcript NM_182760.4 (MANE Select); coding-DNA position 1116, T replaced by C.
Protein change: p.Thr372=; no amino-acid change (threonine 372 retained).
Molecular consequence: synonymous variant.
Genome position (GRCh38, 1-based): chr3:4,362,153, A>G on the plus strand (T>C on the coding strand, the complement: SUMF1 is on the minus strand). VCF-style: chr3-4362153-A-G. GRCh37 (hg19) VCF-style: chr3-4403837-A-G.
Other names: c.1041T>C, p.Thr347= (NM_001164674.2); c.1056T>C, p.Thr352= (NM_001164675.2).
Identifiers: ClinVar variation 96559 (VCV000096559.32), dbSNP rs2633852, ClinGen allele CA149615.

ClinVar aggregate classification (germline): Benign. Review status: criteria provided, multiple submitters, no conflicts (2 of 4 stars). 14 submissions from 14 submitters: Benign (10). 4 of the submissions do not count toward it. Last evaluated 2026-02-04.

Conditions:
Multiple sulfatase deficiency (MSD). Also called: Mucosulfatidosis; Multiple Sulfatase Deficiency Disease; Sulfatidosis, Juvenile, Austin Type. Identifiers: Orphanet 585, MedGen C0268263, MONDO:0010088, OMIM 272200.

Allele frequency attached by ClinVar (database versions not stated): gnomAD exomes 0.57727 and 0.64324; ExAC 0.64405; ESP Exome Variant Server 0.65362; gnomAD 0.66322 and 0.66547; TOPMed 0.68279; 1000 Genomes Project 0.76038; 1000 Genomes Project 30x 0.76062.
gnomAD v4.1: 946,407 of 1,613,514 alleles (59%); highest among the groups gnomAD compares: African/African-American, 87%; 284,898 homozygotes.

Submissions (14):

Labcorp Genetics (formerly Invitae), Labcorp
Classification: Benign for Multiple sulfatase deficiency. Last evaluated: 2026-02-04. Review status: criteria provided, single submitter. Criteria: Invitae Variant Classification Sherloc (09022015). Collection method: clinical testing. Allele origin: germline.

Blueprint Genetics
Classification: Benign. Last evaluated: 2024-11-26. Review status: criteria provided, single submitter. Criteria: ACMG Guidelines, 2015. Collection method: clinical testing. Allele origin: germline.

Genome-Nilou Lab
Classification: Benign for Multiple sulfatase deficiency. Last evaluated: 2021-07-15. Review status: criteria provided, single submitter. Criteria: ACMG Guidelines, 2015. Collection method: clinical testing. Allele origin: germline. Affected: no.

Pars Genome Lab
Classification: Benign for Multiple sulfatase deficiency. Last evaluated: 2021-06-15. Review status: criteria provided, single submitter. Criteria: ACMG Guidelines, 2015. Collection method: clinical testing. Allele origin: germline. Affected: no.

Illumina Laboratory Services, Illumina
Classification: Benign for Multiple sulfatase deficiency. Last evaluated: 2018-01-12. Review status: criteria provided, single submitter. Criteria: ICSL Variant Classification Criteria 13 December 2019. Collection method: clinical testing. Allele origin: germline.
Comment: This variant was observed in the ICSL laboratory as part of a predisposition screen in an ostensibly healthy population. It had not been previously curated by ICSL or reported in the Human Gene Mutation Database (HGMD: prior to June 1st, 2018), and was therefore a candidate for classification through an automated scoring system. Utilizing variant allele frequency, disease prevalence and penetrance estimates, and inheritance mode, an automated score was calculated to assess if this variant is too frequent to cause the disease. Based on the score and internal cut-off values, a variant classified as benign is not then subjected to further curation. The score for this variant resulted in a classification of benign for this disease.

Women's Health and Genetics/Laboratory Corporation of America, LabCorp
Classification: Benign. Last evaluated: 2017-12-29. Review status: criteria provided, single submitter. Criteria: LabCorp Variant Classification Summary - May 2015. Collection method: clinical testing. Allele origin: germline.
Comment: Variant summary: The SUMF1 c.1116T>C (p.Thr372Thr) variant involves the alteration of a non-conserved nucleotide causes a synonymous change and 5/5 splice prediction tools predict no significant impact on normal splicing. ESE finder predicts that this variant may alter ESE binding. This variant was found in 176669/274930 control chromosomes (58685 homozygotes)(gnomAD) at a frequency of 0.6425963, which is approximately 575 times the estimated maximal expected allele frequency of a pathogenic SUMF1 variant (0.001118). The observed frequency the C allele, 0.64, indicates the variant of interest to be the major allele (allele more commonly observed in the general population). In addition, multiple clinical diagnostic laboratories/reputable databases classified this variant as benign. Taken together, this variant is classified as benign.

GeneDx
Classification: Benign. Last evaluated: 2015-03-03. Review status: criteria provided, single submitter. Criteria: GeneDx Variant Classification Process June 2021. Collection method: clinical testing. Allele origin: germline. Affected: yes.

Eurofins Ntd Llc (ga)
Classification: Benign. Last evaluated: 2013-04-26. Review status: criteria provided, single submitter. Criteria: EGL Classification Definitions 2015. Collection method: clinical testing. Allele origin: germline. Observed: 4 variant alleles, 2 heterozygotes, 2 homozygotes.

Breakthrough Genomics
Classification: Benign. Review status: criteria provided, single submitter. Criteria: ACMG Guidelines, 2015. Collection method: not provided. Allele origin: germline. Inheritance: Autosomal recessive inheritance. Affected: yes.

PreventionGenetics, part of Exact Sciences
Classification: Benign. Review status: criteria provided, single submitter. Criteria: ACMG Guidelines, 2015. Collection method: clinical testing. Allele origin: germline.

Natera, Inc.
Classification: Benign for Multiple sulfatase deficiency. Last evaluated: 2020-09-16. Review status: no assertion criteria provided. Collection method: clinical testing. Allele origin: germline. Not counted in ClinVar's aggregate classification.

Mayo Clinic Laboratories, Mayo Clinic
Classification: Benign. Last evaluated: 2015-10-22. Review status: no assertion criteria provided. Collection method: clinical testing. Allele origin: unknown. Not counted in ClinVar's aggregate classification.

Diagnostic Laboratory, Department of Genetics, University Medical Center Groningen
Classification: Benign. Review status: no assertion criteria provided. Collection method: clinical testing. Allele origin: germline. Affected: yes. Study: VKGL Data-share Consensus. Not counted in ClinVar's aggregate classification.

Joint Genome Diagnostic Labs from Nijmegen and Maastricht, Radboudumc and MUMC+
Classification: Benign. Review status: no assertion criteria provided. Collection method: clinical testing. Allele origin: germline. Affected: yes. Study: VKGL Data-share Consensus. Not counted in ClinVar's aggregate classification.